The following is an entry in ClinVar:

NC_000016.10:g.67660444C>G

Gene: ACD (ACD shelterin complex subunit and telomerase recruitment factor; minus strand). Cytogenetic location: 16q22.1.
Variant type: single nucleotide variant.
Genome position: GRCh38 VCF-style: chr16-67660444-C-G. GRCh37 (hg19) VCF-style: chr16-67694347-C-G.
Other names: short protein forms R12T.
Identifiers: ClinVar variation 1733077 (VCV001733077.6), dbSNP rs377118118, ClinGen allele CA8114949.

ClinVar aggregate classification (germline): Uncertain significance. Review status: criteria provided, multiple submitters, no conflicts (2 of 4 stars). 2 submissions from 2 submitters: Uncertain significance (2). Last evaluated 2025-11-23.

Conditions:
Inborn genetic diseases. Identifiers: MedGen C0950123, MeSH D030342.
Dyskeratosis congenita, autosomal dominant 6 (DKCA6). Identifiers: Orphanet 3322, MedGen C4225284, MONDO:0014690, OMIM 616553.

Allele frequency attached by ClinVar (database versions not stated): 1000 Genomes Project 0.00040; ESP Exome Variant Server 0.00008; TOPMed 0.00009; gnomAD 0.00014; ExAC 0.00025; 1000 Genomes Project 30x 0.00031.

Submissions (2):

Labcorp Genetics (formerly Invitae), Labcorp
Classification: Uncertain significance for Dyskeratosis congenita, autosomal dominant 6. Last evaluated: 2025-11-23. Review status: criteria provided, single submitter. Criteria: Invitae Variant Classification Sherloc (09022015). Collection method: clinical testing. Allele origin: germline.
Comment: This sequence change replaces arginine, which is basic and polar, with threonine, which is neutral and polar, at codon 12 of the ACD protein (p.Arg12Thr). This variant is present in population databases (rs377118118, gnomAD 0.1%). This variant has not been reported in the literature in individuals affected with ACD-related conditions. ClinVar contains an entry for this variant (Variation ID: 1733077). An algorithm developed to predict the effect of missense changes on protein structure and function outputs the following: PolyPhen-2: "Benign". The threonine amino acid residue is found in multiple mammalian species, which suggests that this missense change does not adversely affect protein function. In summary, the available evidence is currently insufficient to determine the role of this variant in disease. Therefore, it has been classified as a Variant of Uncertain Significance.

Ambry Genetics
Classification: Uncertain significance for Inborn genetic diseases. Last evaluated: 2023-12-11. Review status: criteria provided, single submitter. Criteria: Ambry Variant Classification Scheme 2023. Collection method: clinical testing. Allele origin: germline.
Comment: The p.R12T variant (also known as c.35G>C), located in coding exon 1 of the ACD gene, results from a G to C substitution at nucleotide position 35. The arginine at codon 12 is replaced by threonine, an amino acid with similar properties. This amino acid position is conserved. In addition, this alteration is predicted to be tolerated by in silico analysis. Since supporting evidence is limited at this time, the clinical significance of this alteration remains unclear.